The following is an entry in ClinVar:

ClinVar aggregate classification (germline): Uncertain significance (1 of 4 stars; one submission).

Allele frequency attached by ClinVar (database versions not stated): gnomAD 0.00001; TOPMed 0.00001; gnomAD exomes 0.00002; ExAC 0.00002.
gnomAD v4.1: 33 of 1,600,812 alleles (0.0021%); highest among the groups gnomAD compares: Non-Finnish European, 0.0025%; 1 homozygote.

Submission:

GeneDx
Classification: Uncertain significance. Last evaluated: 2019-07-29. Review status: criteria provided, single submitter. Criteria: GeneDx Variant Classification Process June 2021. Collection method: clinical testing. Allele origin: germline. Affected: yes.
Comment: Not observed at a significant frequency in large population cohorts (Lek et al., 2016); In silico analysis, which includes protein predictors and evolutionary conservation, supports that this variant does not alter protein structure/function; Has not been previously published as pathogenic or benign to our knowledge

NM_001128178.3(NPHP1):c.645A>C (p.Glu215Asp)

Gene: NPHP1 (nephrocystin 1; minus strand). Cytogenetic location: 2q13.
Variant type: single nucleotide variant.
Coding change: c.645A>C on transcript NM_001128178.3 (MANE Select); coding-DNA position 645, A replaced by C.
Protein change: p.Glu215Asp; replaces glutamic acid 215 with aspartic acid.
Molecular consequence: missense variant.
Genome position (GRCh38, 1-based): chr2:110,165,135, T>G on the plus strand (A>C on the coding strand, the complement: NPHP1 is on the minus strand). VCF-style: chr2-110165135-T-G. GRCh37 (hg19) VCF-style: chr2-110922712-T-G.
Other names: c.645A>C, p.Glu215Asp (NM_000272.5, NM_001374256.1, NM_001374257.1 and 1 more transcripts); c.459A>C, p.Glu153Asp (NM_001128179.3); short protein forms E153D, E215D.
Identifiers: ClinVar variation 1307141 (VCV001307141.2), dbSNP rs760469889, ClinGen allele CA1827315.